The following is an entry in ClinVar:

NM_033380.3(COL4A5):c.2882G>T (p.Gly961Val)

Gene: COL4A5 (collagen type IV alpha 5 chain; plus strand). Cytogenetic location: Xq22.3.
Variant type: single nucleotide variant.
Coding change: c.2882G>T on transcript NM_033380.3 (MANE Select); coding-DNA position 2882, G replaced by T.
Protein change: p.Gly961Val; replaces glycine 961 with valine.
Molecular consequence: missense variant.
Genome position (GRCh38, 1-based): chrX:108,622,790, G>T. VCF-style: chrX-108622790-G-T. GRCh37 (hg19) VCF-style: chrX-107866020-G-T.
Other names: c.2882G>T, p.Gly961Val (NM_000495.5); short protein forms G961V.
Identifiers: ClinVar variation 1109556 (VCV001109556.11), dbSNP rs768478427, ClinGen allele CA10488992.

ClinVar aggregate classification (germline): Conflicting classifications of pathogenicity. Review status: criteria provided, conflicting classifications (1 of 4 stars). 2 submissions from 2 submitters: Uncertain significance (1); Likely benign (1). Last evaluated 2025-02-15.

Allele frequency attached by ClinVar (database versions not stated): gnomAD exomes 0.00001 and 0.00003; TOPMed 0.00001; ExAC 0.00002.
gnomAD v4.1: 6 of 1,210,934 alleles (0.0005%); highest among the groups gnomAD compares: Admixed American, 0.011%; no homozygotes.

Submissions (2):

Labcorp Genetics (formerly Invitae), Labcorp
Classification: Likely benign. Last evaluated: 2025-02-15. Review status: criteria provided, single submitter. Criteria: Invitae Variant Classification Sherloc (09022015). Collection method: clinical testing. Allele origin: germline.

GeneDx
Classification: Uncertain significance. Last evaluated: 2019-09-16. Review status: criteria provided, single submitter. Criteria: GeneDx Variant Classification Process June 2021. Collection method: clinical testing. Allele origin: germline. Affected: yes.
Comment: In silico analysis, which includes protein predictors and evolutionary conservation, supports a deleterious effect; Has not been previously published as pathogenic or benign to our knowledge